The following is an entry in ClinVar:

NM_130837.3(OPA1):c.992_993del (p.Leu330_Ser331insTer)

Gene: OPA1 (OPA1 mitochondrial dynamin like GTPase; plus strand). Cytogenetic location: 3q29.
Variant type: Microsatellite.
Coding change: c.992_993del on transcript NM_130837.3 (MANE Select); coding-DNA positions 992 to 993, 2 bases deleted (CT; older notation c.992_993delCT).
Protein change: p.Leu330_Ser331insTer.
Molecular consequence: nonsense.
Genome position (GRCh38, 1-based): chr3:193,637,238-193,637,239, CT deleted; deleting any 2 consecutive bases within chr3:193,637,233-193,637,239 gives the same sequence; the c. name uses the placement nearest the transcript's 3' end. VCF-style (leftmost placement, unchanged base first): chr3-193637232-TTC-T. GRCh37 (hg19) VCF-style: chr3-193355021-TTC-T.
Other names: c.458_459del, p.Leu152_Ser153insTer (NM_001354663.2); c.455_456del, p.Leu151_Ser152insTer (NM_001354664.2); c.827_828del, p.Leu275_Ser276insTer (NM_015560.3); c.719_720del, p.Leu239_Ser240insTer (NM_130831.3); c.773_774del, p.Leu257_Ser258insTer (NM_130832.3); c.830_831del, p.Leu276_Ser277insTer (NM_130833.3); c.881_882del, p.Leu293_Ser294insTer (NM_130834.3); c.884_885del, p.Leu294_Ser295insTer (NM_130835.3); and 1 more.
Identifiers: ClinVar variation 1916249 (VCV001916249.6), dbSNP rs2474808745, ClinGen allele CA2580616030.
Genomic context (GRCh38, chr3:193,637,232, plus strand): 5'-ATAACTTTTTAAAATTTTTACAGAAATCTTTGATTGACATGTATTCTGAAGTTCTTGATG[TTC>T]TCTCTGATTATGATGCCAGTTATAATACGCAAGATCATCTGCCACGGGTATGTGAAAAAT-3'

ClinVar aggregate classification (germline): Pathogenic/Likely pathogenic. Review status: criteria provided, multiple submitters, no conflicts (2 of 4 stars). 2 submissions from 2 submitters: Pathogenic (1); Likely pathogenic (1). Last evaluated 2025-03-31.

Conditions:
OPA1-related disorder. Also called: OPA1-related condition; OPA1-related disorders.

Submissions (2):

Labcorp Genetics (formerly Invitae), Labcorp
Classification: Pathogenic. Last evaluated: 2025-03-31. Review status: criteria provided, single submitter. Criteria: Invitae Variant Classification Sherloc (09022015). Collection method: clinical testing. Allele origin: germline.
Comment: This sequence change creates a premature translational stop signal (p.Ser276*) in the OPA1 gene. It is expected to result in an absent or disrupted protein product. Loss-of-function variants in OPA1 are known to be pathogenic (PMID: 11440988, 20157015, 20952381, 25012220). This variant is not present in population databases (gnomAD no frequency). This premature translational stop signal has been observed in individual(s) with autosomal dominant OPA1-related conditions (PMID: 32025183). This variant is also known as c.987_988del, p.S331*. For these reasons, this variant has been classified as Pathogenic.

Blueprint Genetics
Classification: Likely pathogenic for OPA1-related disorders. Last evaluated: 2022-05-27. Review status: criteria provided, single submitter. Criteria: ACMG Guidelines, 2015. Collection method: clinical testing. Allele origin: germline. Affected: yes. Observed: 1 variant allele.

Literature cited by the submitters: PubMed 11440988 (cited by Labcorp Genetics (formerly Invitae), Labcorp); PubMed 20157015 (cited by Labcorp Genetics (formerly Invitae), Labcorp); PubMed 20952381 (cited by Labcorp Genetics (formerly Invitae), Labcorp); PubMed 25012220 (cited by Labcorp Genetics (formerly Invitae), Labcorp); PubMed 32025183 (cited by Labcorp Genetics (formerly Invitae), Labcorp).